The following is an entry in ClinVar:

NM_032634.4(PIGO):c.268G>A (p.Val90Met)

Gene: PIGO (phosphatidylinositol glycan anchor biosynthesis class O; minus strand). Cytogenetic location: 9p13.3.
Variant type: single nucleotide variant.
Coding change: c.268G>A on transcript NM_032634.4 (MANE Select); coding-DNA position 268, G replaced by A.
Protein change: p.Val90Met; replaces valine 90 with methionine.
Molecular consequence: missense variant.
Genome position (GRCh38, 1-based): chr9:35,095,298, C>T on the plus strand (G>A on the coding strand, the complement: PIGO is on the minus strand). VCF-style: chr9-35095298-C-T. GRCh37 (hg19) VCF-style: chr9-35095295-C-T.
Other names: c.268G>A, p.Val90Met (NM_001201484.2, NM_152850.4); short protein forms V90M.
Identifiers: ClinVar variation 540451 (VCV000540451.12), dbSNP rs142276590, ClinGen allele CA5040980.

ClinVar aggregate classification (germline): Conflicting classifications of pathogenicity. Review status: criteria provided, conflicting classifications (1 of 4 stars). 2 submissions from 2 submitters: Uncertain significance (1); Likely benign (1). Last evaluated 2025-03-03.

Conditions:
Hyperphosphatasia with impaired intellectual development syndrome 2. Also called: Hyperphosphatasia with intellectual disability syndrome 2; GLYCOSYLPHOSPHATIDYLINOSITOL BIOSYNTHESIS DEFECT 6. Identifiers: Orphanet 247262, MedGen C3553637, MONDO:0013882, OMIM 614749.

Allele frequency attached by ClinVar (database versions not stated): TOPMed 0.00006; ExAC 0.00005; gnomAD 0.00005; ESP Exome Variant Server 0.00015; gnomAD exomes 0.00001 and 0.00005.
gnomAD v4.1: 27 of 1,614,038 alleles (0.0017%); highest among the groups gnomAD compares: African/African-American, 0.016%; no homozygotes.

Submissions (2):

Labcorp Genetics (formerly Invitae), Labcorp
Classification: Likely benign for Hyperphosphatasia with impaired intellectual development syndrome 2. Last evaluated: 2025-03-03. Review status: criteria provided, single submitter. Criteria: Invitae Variant Classification Sherloc (09022015). Collection method: clinical testing. Allele origin: germline.

GeneDx
Classification: Uncertain significance. Last evaluated: 2021-12-14. Review status: criteria provided, single submitter. Criteria: GeneDx Variant Classification Process June 2021. Collection method: clinical testing. Allele origin: germline. Affected: yes.
Comment: In silico analysis supports that this missense variant does not alter protein structure/function; Has not been previously published as pathogenic or benign to our knowledge; This variant is associated with the following publications: (PMID: 24417746)